The following is an entry in ClinVar:

ClinVar aggregate classification (germline): Pathogenic. Review status: reviewed by expert panel (3 of 4 stars). 4 submissions from 4 submitters: Pathogenic (1). 3 of the submissions do not count toward it. Last evaluated 2021-09-24.

Conditions:
CFTR-related disorder (CFTR-RD). Also called: CFTR-related disorders; CFTR-related condition. Identifiers: MedGen C5924204, MONDO:7770004.
Cystic fibrosis (CF). Also called: MUCOVISCIDOSIS. Identifiers: Orphanet 586, MedGen C0010674, MONDO:0009061, OMIM 219700. Disease mechanism: loss of function.

Submissions (4):

CFTR2
Classification: Pathogenic for Cystic fibrosis. Last evaluated: 2021-09-24. Review status: reviewed by expert panel. Criteria: Submitter's publication and website. Collection method: research. Allele origin: germline. Affected: yes.

Institute of Human Genetics, University of Leipzig Medical Center
Classification: Pathogenic for Cystic fibrosis. Last evaluated: 2022-09-05. Review status: criteria provided, single submitter. Criteria: ACMG Guidelines, 2015. Collection method: curation. Allele origin: unknown. Affected: yes. Observed: 1 variant allele. Not counted in ClinVar's aggregate classification.
Comment: The variant was classified in the context of a project re-classifying variants in the German Cystic Fibrosis Registry (Muko.e.V.). Criteria applied: PVS1, PS1, PM2_SUP, PM3

Natera, Inc.
Classification: Pathogenic for CFTR-related disorders. Last evaluated: 2017-03-17. Review status: no assertion criteria provided. Collection method: clinical testing. Allele origin: germline. Not counted in ClinVar's aggregate classification.

Counsyl
Classification: Likely pathogenic for Cystic fibrosis. Last evaluated: 2016-10-06. Review status: no assertion criteria provided. Collection method: clinical testing. Allele origin: unknown. Not counted in ClinVar's aggregate classification.

Literature cited by the submitters: PubMed 7508414 (cited by Counsyl).

NM_000492.4(CFTR):c.3929G>A (p.Trp1310Ter)

Gene: CFTR (CF transmembrane conductance regulator; plus strand). Cytogenetic location: 7q31.2.
Variant type: single nucleotide variant.
Coding change: c.3929G>A on transcript NM_000492.4 (MANE Select); coding-DNA position 3929, G replaced by A.
Protein change: p.Trp1310Ter; replaces tryptophan 1310 with a stop codon.
Molecular consequence: nonsense.
Genome position (GRCh38, 1-based): chr7:117,652,897, G>A. VCF-style: chr7-117652897-G-A. GRCh37 (hg19) VCF-style: chr7-117292951-G-A.
Other names: p.Trp1310X; W1310X; short protein forms W1310*.
Identifiers: ClinVar variation 53856 (VCV000053856.6), dbSNP rs397508645, ClinGen allele CA327353.